The following is an entry in ClinVar:

NM_175875.5(SIX5):c.1462C>T (p.Pro488Ser)

Gene: SIX5 (SIX homeobox 5; minus strand). Cytogenetic location: 19q13.32.
Variant type: single nucleotide variant.
Coding change: c.1462C>T on transcript NM_175875.5 (MANE Select); coding-DNA position 1462, C replaced by T.
Protein change: p.Pro488Ser; replaces proline 488 with serine.
Molecular consequence: missense variant.
Genome position (GRCh38, 1-based): chr19:45,766,497, G>A on the plus strand (C>T on the coding strand, the complement: SIX5 is on the minus strand). VCF-style: chr19-45766497-G-A. GRCh37 (hg19) VCF-style: chr19-46269755-G-A.
Other names: short protein forms P488S.
Identifiers: ClinVar variation 515611 (VCV000515611.9), dbSNP rs200487992, ClinGen allele CA9520620.
Genomic context (GRCh38, chr19:45,766,497, plus strand): 5'-CCACCTTCACAGGGCTGCCTGGCCCGGCTGCCAACAGCTGCAGGGGCCCCACAGCCTGGG[G>A]CAGGGTCACCACCTGTGAGGTGGGTACTACCTGGGGCAGGTTCAATAGTGGGGAGGTGGG-3'
Protein context (NP_787071.3, residues 478-498): VVPTSQVVTL[Pro488Ser]QAVGPLQLLA

ClinVar aggregate classification (germline): Conflicting classifications of pathogenicity. Review status: criteria provided, conflicting classifications (1 of 4 stars). 5 submissions from 5 submitters: Uncertain significance (3); Likely benign (2). Last evaluated 2026-03-23.

Conditions:
SIX5-related disorder. Also called: SIX5-related condition.
Branchiootorenal syndrome 2 (BOR2). Identifiers: Orphanet 107, MedGen C1970479, MONDO:0012575, OMIM 610896.

Allele frequency attached by ClinVar (database versions not stated): gnomAD 0.00015 and 0.00017; ESP Exome Variant Server 0.00016; TOPMed 0.00019; 1000 Genomes Project 0.00020; gnomAD exomes 0.00029; ExAC 0.00030; 1000 Genomes Project 30x 0.00031.
gnomAD v4.1: 197 of 1,515,542 alleles (0.013%); highest among the groups gnomAD compares: Admixed American, 0.074%; no homozygotes.

Submissions (5):

PreventionGenetics, part of Exact Sciences
Classification: Uncertain significance for SIX5-related condition. Last evaluated: 2026-03-23. Review status: criteria provided, single submitter. Criteria: ACMG Guidelines, 2015. Collection method: clinical testing. Allele origin: germline.
Comment: The SIX5 c.1462C>T variant is predicted to result in the amino acid substitution p.Pro488Ser. To our knowledge, this variant has not been reported in the literature. This variant is reported in 0.078% of alleles in individuals of Latino descent in gnomAD, which may be too common to be a primary cause of disease. Although we suspect that this variant may be benign, at this time, the clinical significance of this variant is uncertain due to the absence of conclusive functional and genetic evidence.

Labcorp Genetics (formerly Invitae), Labcorp
Classification: Uncertain significance. Last evaluated: 2026-01-27. Review status: criteria provided, single submitter. Criteria: Invitae Variant Classification Sherloc (09022015). Collection method: clinical testing. Allele origin: germline.
Comment: This sequence change replaces proline, which is neutral and non-polar, with serine, which is neutral and polar, at codon 488 of the SIX5 protein (p.Pro488Ser). This variant is present in population databases (rs200487992, gnomAD 0.07%), and has an allele count higher than expected for a pathogenic variant. This variant has not been reported in the literature in individuals affected with SIX5-related conditions. ClinVar contains an entry for this variant (Variation ID: 515611). Invitae Evidence Modeling of protein sequence and biophysical properties (such as structural, functional, and spatial information, amino acid conservation, physicochemical variation, residue mobility, and thermodynamic stability) indicates that this missense variant is not expected to disrupt SIX5 protein function with a negative predictive value of 80%. In summary, the available evidence is currently insufficient to determine the role of this variant in disease. Therefore, it has been classified as a Variant of Uncertain Significance.

Fulgent Genetics
Classification: Likely benign for Branchiootorenal syndrome 2. Last evaluated: 2021-10-04. Review status: criteria provided, single submitter. Criteria: ACMG Guidelines, 2015. Collection method: clinical testing. Allele origin: unknown.

Ambry Genetics
Classification: Uncertain significance. Last evaluated: 2021-08-10. Review status: criteria provided, single submitter. Criteria: Ambry Variant Classification Scheme 2023. Collection method: clinical testing. Allele origin: germline.

GeneDx
Classification: Likely benign. Last evaluated: 2018-03-02. Review status: criteria provided, single submitter. Criteria: GeneDx Variant Classification (06012015). Collection method: clinical testing. Allele origin: germline. Affected: yes.
Comment: This variant is considered likely benign or benign based on one or more of the following criteria: it is a conservative change, it occurs at a poorly conserved position in the protein, it is predicted to be benign by multiple in silico algorithms, and/or has population frequency not consistent with disease.